The following is an entry in ClinVar:

NM_174936.4(PCSK9):c.1879G>A (p.Glu627Lys)

Gene: PCSK9 (proprotein convertase subtilisin/kexin type 9; plus strand). Cytogenetic location: 1p32.3.
Variant type: single nucleotide variant.
Coding change: c.1879G>A on transcript NM_174936.4 (MANE Select); coding-DNA position 1879, G replaced by A.
Protein change: p.Glu627Lys; replaces glutamic acid 627 with lysine.
Molecular consequence: missense variant.
Genome position (GRCh38, 1-based): chr1:55,063,384, G>A. VCF-style: chr1-55063384-G-A. GRCh37 (hg19) VCF-style: chr1-55529057-G-A.
Other names: p.Glu627Lys; c.1882G>A, p.Glu628Lys (NM_001407242.1); c.1822G>A, p.Glu608Lys (NM_001407243.1); c.1705G>A, p.Glu569Lys (NM_001407244.1); c.1687G>A, p.Glu563Lys (NM_001407245.1); c.2002G>A, p.Glu668Lys (NM_001407240.1); c.1921G>A, p.Glu641Lys (NM_001407241.1); c.1504G>A, p.Glu502Lys (NM_001407246.1); and 1 more; short protein forms E641K, E460K, E502K, E569K, E668K, E627K, E628K, E563K.
Identifiers: ClinVar variation 1781846 (VCV001781846.7), dbSNP rs774385716, ClinGen allele CA039569.
Genomic context (GRCh38, chr1:55,063,384, plus strand): 5'-CGGGCCACGCTAGACATGTGCTTTCTTTTCCTCGGGCTCTGGCAGGTGACCGTGGCCTGC[G>A]AGGAGGGCTGGACCCTGACTGGCTGCAGTGCCCTCCCTGGGACCTCCCACGTCCTGGGGG-3'
Protein context (NP_777596.2, residues 617-637): APQEQVTVAC[Glu627Lys]EGWTLTGCSA

ClinVar aggregate classification (germline): Conflicting classifications of pathogenicity. Review status: criteria provided, conflicting classifications (1 of 4 stars). 4 submissions from 4 submitters: Uncertain significance (3); Likely benign (1). Last evaluated 2025-08-22.

Conditions:
Cardiovascular phenotype. Identifiers: MedGen CN230736.
Hypercholesterolemia, autosomal dominant, 3 (FHCL3). Also called: Familial Hypercholesterolemia, Autosomal Dominant, 3; PCSK9-Related Familial Hypercholesterolemia, Autosomal Dominant; Familial hypercholesterolemia 3. Identifiers: MedGen C1863551, MONDO:0011369, OMIM 603776.

Allele frequency attached by ClinVar (database versions not stated): gnomAD 0.00001; gnomAD exomes 0.00002; TOPMed 0.00003; ExAC 0.00007.
gnomAD v4.1: 23 of 1,613,760 alleles (0.0014%); highest among the groups gnomAD compares: Admixed American, 0.035%; no homozygotes.

Submissions (4):

Labcorp Genetics (formerly Invitae), Labcorp
Classification: Uncertain significance for Hypercholesterolemia, autosomal dominant, 3. Last evaluated: 2025-08-22. Review status: criteria provided, single submitter. Criteria: Invitae Variant Classification Sherloc (09022015). Collection method: clinical testing. Allele origin: germline.
Comment: This sequence change replaces glutamic acid, which is acidic and polar, with lysine, which is basic and polar, at codon 627 of the PCSK9 protein (p.Glu627Lys). This variant is present in population databases (rs774385716, gnomAD 0.05%). This variant has not been reported in the literature in individuals affected with PCSK9-related conditions. ClinVar contains an entry for this variant (Variation ID: 1781846). Invitae Evidence Modeling of protein sequence and biophysical properties (such as structural, functional, and spatial information, amino acid conservation, physicochemical variation, residue mobility, and thermodynamic stability) indicates that this missense variant is not expected to disrupt PCSK9 protein function with a negative predictive value of 95%. In summary, the available evidence is currently insufficient to determine the role of this variant in disease. Therefore, it has been classified as a Variant of Uncertain Significance.

All of Us Research Program, National Institutes of Health
Classification: Uncertain significance for Hypercholesterolemia, autosomal dominant, 3. Last evaluated: 2024-08-13. Review status: criteria provided, single submitter. Criteria: ACMG Guidelines, 2015. Collection method: clinical testing. Allele origin: germline. Inheritance: Autosomal dominant inheritance. Observed: 10 variant alleles, 10 heterozygotes.
Comment: This missense variant replaces glutamic acid with lysine at codon 627 of the PCSK9 protein. Computational prediction suggests that this variant may not impact protein structure and function (internally defined REVEL score threshold <= 0.5, PMID: 27666373). To our knowledge, functional studies have not been reported for this variant. This variant has not been reported in individuals affected with familial hypercholesterolemia in the literature. This variant has been identified in 18/248500 chromosomes in the general population by the Genome Aggregation Database (gnomAD). The available evidence is insufficient to determine the role of this variant in disease conclusively. Therefore, this variant is classified as a Variant of Uncertain Significance.

This study involves interpretation of variants in research participants for the purpose of population health screening. Participant phenotype was not available at the time of variant classification. Additional details can be found in publication PMID: 35346344, PMCID: PMC8962531

Mayo Clinic Laboratories, Mayo Clinic
Classification: Uncertain significance. Last evaluated: 2024-06-25. Review status: criteria provided, single submitter. Criteria: ACMG Guidelines, 2015. Collection method: clinical testing. Allele origin: germline. Observed: 1 variant allele.
Comment: BP4

Ambry Genetics
Classification: Likely benign for Cardiovascular phenotype. Last evaluated: 2022-03-23. Review status: criteria provided, single submitter. Criteria: Ambry Variant Classification Scheme 2023. Collection method: clinical testing. Allele origin: germline.